The following is an entry in ClinVar:

ClinVar aggregate classification (germline): Uncertain significance. Review status: criteria provided, multiple submitters, no conflicts (2 of 4 stars). 2 submissions from 2 submitters: Uncertain significance (2). Last evaluated 2022-09-07.

Conditions:
Chédiak-Higashi syndrome (CHS). Also called: Chediak-Higashi Syndrome. Identifiers: Orphanet 167, MedGen C0007965, MONDO:0008963, OMIM 214500.

Allele frequency attached by ClinVar (database versions not stated): ExAC 0.00001; gnomAD 0.00001; 1000 Genomes Project 30x 0.00016; 1000 Genomes Project 0.00020.
gnomAD v4.1: 3 of 1,481,478 alleles (0.0002%); highest among the groups gnomAD compares: African/African-American, 0.0041%; no homozygotes.

Submissions (2):

Labcorp Genetics (formerly Invitae), Labcorp
Classification: Uncertain significance for Chédiak-Higashi syndrome. Last evaluated: 2022-09-07. Review status: criteria provided, single submitter. Criteria: Invitae Variant Classification Sherloc (09022015). Collection method: clinical testing. Allele origin: germline.
Comment: This sequence change falls in intron 3 of the LYST gene. It does not directly change the encoded amino acid sequence of the LYST protein. This variant is present in population databases (rs189018382, gnomAD 0.007%). This variant has not been reported in the literature in individuals affected with LYST-related conditions. Algorithms developed to predict the effect of sequence changes on RNA splicing suggest that this variant may disrupt the consensus splice site. In summary, the available evidence is currently insufficient to determine the role of this variant in disease. Therefore, it has been classified as a Variant of Uncertain Significance.

Blueprint Genetics
Classification: Uncertain significance. Last evaluated: 2022-04-05. Review status: criteria provided, single submitter. Criteria: ACMG Guidelines, 2015. Collection method: clinical testing. Allele origin: germline.

NM_000081.4(LYST):c.193-11T>A

Gene: LYST (lysosomal trafficking regulator; minus strand). Cytogenetic location: 1q42.3.
Variant type: single nucleotide variant.
Coding change: c.193-11T>A on transcript NM_000081.4 (MANE Select); 11 bases into the intron before coding-DNA position 193, T replaced by A.
Molecular consequence: intron variant.
Genome position (GRCh38, 1-based): chr1:235,813,072, A>T on the plus strand (T>A on the coding strand, the complement: LYST is on the minus strand). VCF-style: chr1-235813072-A-T. GRCh37 (hg19) VCF-style: chr1-235976372-A-T.
Other names: c.193-11T>A (NM_001301365.1).
Identifiers: ClinVar variation 2011623 (VCV002011623.2), dbSNP rs189018382, ClinGen allele CA1467688.
Genomic context (GRCh38, chr1:235,813,072, plus strand): 5'-GGAAGGAGAGACAGAAGAAGAGTCAGGAGTTCTTCTCTACATGTCAATGCCTATGTCAGT[A>T]ACAAAAGAATCCTTCATGTTCTAAGGCGATAAGACACATCAGTTCCTAATGTCTTGTCTT-3'